The following is an entry in ClinVar:

NM_000535.7(PMS2):c.407T>A (p.Met136Lys)

Gene: PMS2 (PMS1 homolog 2, mismatch repair system component; minus strand). Cytogenetic location: 7p22.1.
Variant type: single nucleotide variant.
Coding change: c.407T>A on transcript NM_000535.7 (MANE Select); coding-DNA position 407, T replaced by A.
Protein change: p.Met136Lys; replaces methionine 136 with lysine.
Molecular consequence: missense variant. On other transcripts: initiator codon variant (6), 5 prime UTR variant (2), non-coding transcript variant (1).
Genome position (GRCh38, 1-based): chr7:6,002,583, A>T on the plus strand (T>A on the coding strand, the complement: PMS2 is on the minus strand). VCF-style: chr7-6002583-A-T. GRCh37 (hg19) VCF-style: chr7-6042214-A-T.
Other names: c.2T>A, p.Met1Lys (NM_001018040.1, NM_001322003.2, NM_001322004.2 and 25 more transcripts); c.407T>A, p.Met136Lys (NM_001322006.2, NM_001322014.2, NM_001406869.1 and 8 more transcripts); c.89T>A, p.Met30Lys (NM_001322007.2, NM_001322008.2, NM_001406876.1 and 4 more transcripts); c.-478T>A (NM_001322011.2, NM_001322012.2); c.98T>A, p.Met33Lys (NM_001322015.2, NM_001406875.1, NM_001406877.1 and 6 more transcripts); c.593T>A, p.Met198Lys (NM_001406866.1); c.431T>A, p.Met144Lys (NM_001406868.1); short protein forms M144K, M30K, M33K, M198K, M136K, M1K.
Identifiers: ClinVar variation 2106689 (VCV002106689.5), dbSNP rs1554304050, ClinGen allele CA366744417.

ClinVar aggregate classification (germline): Uncertain significance (1 of 4 stars; one submission).

Conditions:
Hereditary nonpolyposis colorectal neoplasms. Identifiers: MedGen C0009405, MeSH D003123.

Submission:

Labcorp Genetics (formerly Invitae), Labcorp
Classification: Uncertain significance for Hereditary nonpolyposis colorectal neoplasms. Last evaluated: 2022-03-04. Review status: criteria provided, single submitter. Criteria: Invitae Variant Classification Sherloc (09022015). Collection method: clinical testing. Allele origin: germline.
Comment: In summary, the available evidence is currently insufficient to determine the role of this variant in disease. Therefore, it has been classified as a Variant of Uncertain Significance. Advanced modeling of protein sequence and biophysical properties (such as structural, functional, and spatial information, amino acid conservation, physicochemical variation, residue mobility, and thermodynamic stability) performed at Invitae indicates that this missense variant is not expected to disrupt PMS2 protein function. This variant has not been reported in the literature in individuals affected with PMS2-related conditions. This variant is not present in population databases (gnomAD no frequency). This sequence change replaces methionine, which is neutral and non-polar, with lysine, which is basic and polar, at codon 136 of the PMS2 protein (p.Met136Lys).